The following is an entry in ClinVar:

NM_005235.3(ERBB4):c.2975G>A (p.Arg992His)

Gene: ERBB4 (erb-b2 receptor tyrosine kinase 4; minus strand). Cytogenetic location: 2q34.
Variant type: single nucleotide variant.
Coding change: c.2975G>A on transcript NM_005235.3 (MANE Select); coding-DNA position 2975, G replaced by A.
Protein change: p.Arg992His; replaces arginine 992 with histidine.
Molecular consequence: missense variant.
Genome position (GRCh38, 1-based): chr2:211,420,601, C>T on the plus strand (G>A on the coding strand, the complement: ERBB4 is on the minus strand). VCF-style: chr2-211420601-C-T. GRCh37 (hg19) VCF-style: chr2-212285326-C-T.
Other names: c.2975G>A, p.Arg992His (NM_001042599.2); short protein forms R992H.
Identifiers: ClinVar variation 2887176 (VCV002887176.1), dbSNP rs1390491269, ClinGen allele CA350778241.
Genomic context (GRCh38, chr2:211,420,601, plus strand): 5'-TCCTCTTCATCCAAGAGATTCTGAAAGAACTTGCTGTCATTTGGACTGGGAAGCTTCATA[C>T]GATCATCACCCTAAAAGAAAGATTGCCCATCAGACACAAATATGATTCTTTCTTATCTTA-3'
Protein context (NP_005226.1, residues 982-1002): QRYLVIQGDD[Arg992His]MKLPSPNDSK

ClinVar aggregate classification (germline): Uncertain significance (1 of 4 stars; one submission).

Allele frequency attached by ClinVar (database versions not stated): gnomAD exomes 0.00002; TOPMed 0.00002; gnomAD 0.00003.
gnomAD v4.1: 27 of 1,607,364 alleles (0.0017%); highest among the groups gnomAD compares: East Asian, 0.016%; no homozygotes.

Submission:

Labcorp Genetics (formerly Invitae), Labcorp
Classification: Uncertain significance. Last evaluated: 2023-09-12. Review status: criteria provided, single submitter. Criteria: Invitae Variant Classification Sherloc (09022015). Collection method: clinical testing. Allele origin: germline.
Comment: In summary, the available evidence is currently insufficient to determine the role of this variant in disease. Therefore, it has been classified as a Variant of Uncertain Significance. Advanced modeling of protein sequence and biophysical properties (such as structural, functional, and spatial information, amino acid conservation, physicochemical variation, residue mobility, and thermodynamic stability) performed at Invitae indicates that this missense variant is not expected to disrupt ERBB4 protein function. This missense change has been observed in individual(s) with amyotrophic lateral sclerosis (PMID: 35481267). This variant is present in population databases (no rsID available, gnomAD 0.01%). This sequence change replaces arginine, which is basic and polar, with histidine, which is basic and polar, at codon 992 of the ERBB4 protein (p.Arg992His).

Literature cited by the submitters: PubMed 35481267.